The following is an entry in ClinVar:

NM_001197104.2(KMT2A):c.1054C>T (p.Pro352Ser)

Gene: KMT2A (lysine methyltransferase 2A; plus strand). Cytogenetic location: 11q23.3.
Variant type: single nucleotide variant.
Coding change: c.1054C>T on transcript NM_001197104.2 (MANE Select); coding-DNA position 1054, C replaced by T.
Protein change: p.Pro352Ser; replaces proline 352 with serine.
Molecular consequence: missense variant.
Genome position (GRCh38, 1-based): chr11:118,472,213, C>T. VCF-style: chr11-118472213-C-T. GRCh37 (hg19) VCF-style: chr11-118342928-C-T.
Other names: c.1054C>T, p.Pro352Ser (NM_005933.4); short protein forms P352S.
Identifiers: ClinVar variation 1314634 (VCV001314634.2), dbSNP rs2134259845, ClinGen allele CA382809015.

ClinVar aggregate classification (germline): Uncertain significance (1 of 4 stars; one submission).

Allele frequency attached by ClinVar (database versions not stated): gnomAD exomes below 0.00001.
gnomAD v4.1: 2 of 1,613,846 alleles (0.00012%); highest among the groups gnomAD compares: Non-Finnish European, 0.00017%; no homozygotes.

Submission:

GeneDx
Classification: Uncertain significance. Last evaluated: 2020-02-07. Review status: criteria provided, single submitter. Criteria: GeneDx Variant Classification Process June 2021. Collection method: clinical testing. Allele origin: germline. Affected: yes.
Comment: Not observed in large population cohorts (Lek et al., 2016); In silico analysis supports that this missense variant has a deleterious effect on protein structure/function; Has not been previously published as pathogenic or benign to our knowledge